The following is an entry in ClinVar:

ClinVar aggregate classification (germline): Conflicting classifications of pathogenicity. Review status: criteria provided, conflicting classifications (1 of 4 stars). 8 submissions from 8 submitters: Uncertain significance (6); Likely benign (1). 1 of the submissions does not count toward it. Last evaluated 2026-10-22.

Conditions:
Succinate-semialdehyde dehydrogenase deficiency (SSADHD). Also called: SSADH DEFICIENCY; Succinic Semialdehyde Dehydrogenase Deficiency; 4-HYDROXYBUTYRIC ACIDURIA; GABA METABOLIC DEFECT. Identifiers: Orphanet 22, MedGen C0268631, MONDO:0010083, OMIM 271980.
ALDH5A1-related disorder. Also called: ALDH5A1-related condition.
Inborn genetic diseases. Identifiers: MedGen C0950123, MeSH D030342.

Allele frequency attached by ClinVar (database versions not stated): gnomAD exomes 0.00015 and 0.00016; ESP Exome Variant Server 0.00008; gnomAD 0.00015 and 0.00014; 1000 Genomes Project 30x 0.00016; TOPMed 0.00015; 1000 Genomes Project 0.00020; ExAC 0.00017.
gnomAD v4.1: 232 of 1,614,128 alleles (0.014%); highest among the groups gnomAD compares: African/African-American, 0.021%; no homozygotes.

Submissions (8):

GeneDx
Classification: Uncertain significance. Last evaluated: 2026-10-22. Review status: criteria provided, single submitter. Criteria: GeneDx Variant Classification Process June 2021. Collection method: clinical testing. Allele origin: germline.
Comment: In silico analysis suggests that this missense variant does not alter protein structure/function; Has not been previously published as pathogenic or benign to our knowledge

Ambry Genetics
Classification: Likely benign for Inborn genetic diseases. Last evaluated: 2025-04-11. Review status: criteria provided, single submitter. Criteria: Ambry Variant Classification Scheme 2023. Collection method: clinical testing. Allele origin: germline.

Blueprint Genetics
Classification: Uncertain significance. Last evaluated: 2024-01-23. Review status: criteria provided, single submitter. Criteria: ACMG Guidelines, 2015. Collection method: clinical testing. Allele origin: germline.

Mayo Clinic Laboratories, Mayo Clinic
Classification: Uncertain significance. Last evaluated: 2023-05-11. Review status: criteria provided, single submitter. Criteria: ACMG Guidelines, 2015. Collection method: clinical testing. Allele origin: germline. Observed: 1 variant allele.

Labcorp Genetics (formerly Invitae), Labcorp
Classification: Uncertain significance for Succinate-semialdehyde dehydrogenase deficiency. Last evaluated: 2022-08-19. Review status: criteria provided, single submitter. Criteria: Invitae Variant Classification Sherloc (09022015). Collection method: clinical testing. Allele origin: germline.
Comment: This sequence change replaces asparagine, which is neutral and polar, with serine, which is neutral and polar, at codon 427 of the ALDH5A1 protein (p.Asn427Ser). This variant is present in population databases (rs149793005, gnomAD 0.03%). This variant has not been reported in the literature in individuals affected with ALDH5A1-related conditions. ClinVar contains an entry for this variant (Variation ID: 459976). Advanced modeling of protein sequence and biophysical properties (such as structural, functional, and spatial information, amino acid conservation, physicochemical variation, residue mobility, and thermodynamic stability) performed at Invitae indicates that this missense variant is not expected to disrupt ALDH5A1 protein function. Algorithms developed to predict the effect of sequence changes on RNA splicing suggest that this variant may create or strengthen a splice site. In summary, the available evidence is currently insufficient to determine the role of this variant in disease. Therefore, it has been classified as a Variant of Uncertain Significance.

Eurofins Ntd Llc (ga)
Classification: Uncertain significance. Last evaluated: 2017-07-11. Review status: criteria provided, single submitter. Criteria: EGL Classification Definitions 2015. Collection method: clinical testing. Allele origin: germline. Observed: 1 variant allele, 1 heterozygote.

Genetic Services Laboratory, University of Chicago
Classification: Uncertain significance. Last evaluated: 2017-07-06. Review status: criteria provided, single submitter. Criteria: ACMG Guidelines, 2015. Collection method: clinical testing. Allele origin: germline. Affected: no.

PreventionGenetics, part of Exact Sciences
Classification: Uncertain significance for ALDH5A1-related condition. Last evaluated: 2024-02-19. Review status: no assertion criteria provided. Collection method: clinical testing. Allele origin: germline. Not counted in ClinVar's aggregate classification.
Comment: The ALDH5A1 c.1280A>G variant is predicted to result in the amino acid substitution p.Asn427Ser. To our knowledge, this variant has not been reported in the literature. This variant is reported in 0.027% of alleles in individuals of European (Non-Finnish) descent in gnomAD. At this time, the clinical significance of this variant is uncertain due to the absence of conclusive functional and genetic evidence.

NM_001080.3(ALDH5A1):c.1280A>G (p.Asn427Ser)

Gene: ALDH5A1 (aldehyde dehydrogenase 5 family member A1; plus strand). Cytogenetic location: 6p22.3.
Variant type: single nucleotide variant.
Coding change: c.1280A>G on transcript NM_001080.3 (MANE Select); coding-DNA position 1280, A replaced by G.
Protein change: p.Asn427Ser; replaces asparagine 427 with serine.
Molecular consequence: missense variant.
Genome position (GRCh38, 1-based): chr6:24,528,103, A>G. VCF-style: chr6-24528103-A-G. GRCh37 (hg19) VCF-style: chr6-24528331-A-G.
Other names: p.Asn427Ser; c.1136A>G, p.Asn379Ser (NM_001368954.1); c.1319A>G, p.Asn440Ser (NM_170740.1); short protein forms N440S, N427S, N379S.
Identifiers: ClinVar variation 459976 (VCV000459976.23), dbSNP rs149793005, ClinGen allele CA3656896.